The following is an entry in ClinVar:

NM_006766.5(KAT6A):c.928T>A (p.Cys310Ser)

Gene: KAT6A (lysine acetyltransferase 6A; minus strand). Cytogenetic location: 8p11.21.
Variant type: single nucleotide variant.
Coding change: c.928T>A on transcript NM_006766.5 (MANE Select); coding-DNA position 928, T replaced by A.
Protein change: p.Cys310Ser; replaces cysteine 310 with serine.
Molecular consequence: missense variant.
Genome position (GRCh38, 1-based): chr8:41,978,757, A>T on the plus strand (T>A on the coding strand, the complement: KAT6A is on the minus strand). VCF-style: chr8-41978757-A-T. GRCh37 (hg19) VCF-style: chr8-41836275-A-T.
Other names: c.928T>A, p.Cys310Ser (NM_001305878.2); short protein forms C310S.
Identifiers: ClinVar variation 2842175 (VCV002842175.3), dbSNP rs761920137, ClinGen allele CA371076821.

ClinVar aggregate classification (germline): Uncertain significance (1 of 4 stars; one submission).

Submission:

Labcorp Genetics (formerly Invitae), Labcorp
Classification: Uncertain significance. Last evaluated: 2023-04-22. Review status: criteria provided, single submitter. Criteria: Invitae Variant Classification Sherloc (09022015). Collection method: clinical testing. Allele origin: germline.
Comment: This sequence change replaces cysteine, which is neutral and slightly polar, with serine, which is neutral and polar, at codon 310 of the KAT6A protein (p.Cys310Ser). This variant is not present in population databases (gnomAD no frequency). This variant has not been reported in the literature in individuals affected with KAT6A-related conditions. Advanced modeling of protein sequence and biophysical properties (such as structural, functional, and spatial information, amino acid conservation, physicochemical variation, residue mobility, and thermodynamic stability) has been performed at Invitae for this missense variant, however the output from this modeling did not meet the statistical confidence thresholds required to predict the impact of this variant on KAT6A protein function. In summary, the available evidence is currently insufficient to determine the role of this variant in disease. Therefore, it has been classified as a Variant of Uncertain Significance.